The following is an entry in ClinVar:

NM_005857.5(ZMPSTE24):c.880A>G (p.Ile294Val)

Gene: ZMPSTE24 (zinc metallopeptidase STE24; plus strand). Cytogenetic location: 1p34.2.
Variant type: single nucleotide variant.
Coding change: c.880A>G on transcript NM_005857.5 (MANE Select); coding-DNA position 880, A replaced by G.
Protein change: p.Ile294Val; replaces isoleucine 294 with valine.
Molecular consequence: missense variant.
Genome position (GRCh38, 1-based): chr1:40,281,453, A>G. VCF-style: chr1-40281453-A-G. GRCh37 (hg19) VCF-style: chr1-40747125-A-G.
Other names: short protein forms I294V.
Identifiers: ClinVar variation 2036346 (VCV002036346.3), dbSNP rs1643729023, ClinGen allele CA339871404.

ClinVar aggregate classification (germline): Uncertain significance (1 of 4 stars; one submission).

Allele frequency attached by ClinVar (database versions not stated): TOPMed below 0.00001.
gnomAD v4.1: 4 of 1,614,186 alleles (0.00025%); highest among the groups gnomAD compares: Non-Finnish European, 0.00034%; no homozygotes.

Submission:

Labcorp Genetics (formerly Invitae), Labcorp
Classification: Uncertain significance. Last evaluated: 2022-10-24. Review status: criteria provided, single submitter. Criteria: Invitae Variant Classification Sherloc (09022015). Collection method: clinical testing. Allele origin: germline.
Comment: Algorithms developed to predict the effect of missense changes on protein structure and function are either unavailable or do not agree on the potential impact of this missense change (SIFT: "Not Available"; PolyPhen-2: "Benign"; Align-GVGD: "Not Available"). In summary, the available evidence is currently insufficient to determine the role of this variant in disease. Therefore, it has been classified as a Variant of Uncertain Significance. This sequence change replaces isoleucine, which is neutral and non-polar, with valine, which is neutral and non-polar, at codon 294 of the ZMPSTE24 protein (p.Ile294Val). This variant is not present in population databases (gnomAD no frequency). This variant has not been reported in the literature in individuals affected with ZMPSTE24-related conditions.